The following is an entry in ClinVar:

NM_000059.4(BRCA2):c.10120A>C (p.Thr3374Pro)

Gene: BRCA2 (BRCA2 DNA repair associated; plus strand). Cytogenetic location: 13q13.1.
Variant type: single nucleotide variant.
Coding change: c.10120A>C on transcript NM_000059.4 (MANE Select); coding-DNA position 10120, A replaced by C.
Protein change: p.Thr3374Pro; replaces threonine 3374 with proline.
Molecular consequence: missense variant. On other transcripts: non-coding transcript variant (1).
Genome position (GRCh38, 1-based): chr13:32,398,633, A>C. VCF-style: chr13-32398633-A-C. GRCh37 (hg19) VCF-style: chr13-32972770-A-C.
Other names: c.10024A>C, p.Thr3342Pro (NM_001406719.1); c.10069A>C, p.Thr3357Pro (NM_001406720.1); c.5188A>C, p.Thr1730Pro (NM_001406721.1); c.3703A>C, p.Thr1235Pro (NM_001406722.1); c.10120A>C, p.Thr3374Pro (NM_001432077.1); short protein forms T1730P, T1235P, T3342P, T3357P, T3374P.
Identifiers: ClinVar variation 4215942 (VCV004215942.1).

ClinVar aggregate classification (germline): Uncertain significance (1 of 4 stars; one submission).

Conditions:
Hereditary cancer-predisposing syndrome. Also called: Hereditary Cancer Syndrome; Hereditary neoplastic syndrome; Neoplastic Syndromes, Hereditary; Tumor predisposition. Identifiers: Orphanet 140162, MedGen C0027672, MeSH D009386, MONDO:0015356.

Submission:

Ambry Genetics
Classification: Uncertain significance for Hereditary cancer-predisposing syndrome. Last evaluated: 2025-09-12. Review status: criteria provided, single submitter. Criteria: Ambry Variant Classification Scheme 2023. Collection method: clinical testing. Allele origin: germline.
Comment: The p.T3374P variant (also known as c.10120A>C), located in coding exon 26 of the BRCA2 gene, results from an A to C substitution at nucleotide position 10120. The threonine at codon 3374 is replaced by proline, an amino acid with highly similar properties. This amino acid position is conserved. In addition, this alteration is predicted to be tolerated by in silico analysis. Based on the available evidence, the clinical significance of this variant remains unclear.